The following is an entry in ClinVar:

ClinVar aggregate classification (germline): Uncertain significance (1 of 4 stars; one submission).

Allele frequency attached by ClinVar (database versions not stated): gnomAD exomes below 0.00001; TOPMed below 0.00001.

Submission:

Labcorp Genetics (formerly Invitae), Labcorp
Classification: Uncertain significance. Last evaluated: 2022-05-29. Review status: criteria provided, single submitter. Criteria: Invitae Variant Classification Sherloc (09022015). Collection method: clinical testing. Allele origin: germline.
Comment: This sequence change replaces histidine, which is basic and polar, with tyrosine, which is neutral and polar, at codon 400 of the POC5 protein (p.His400Tyr). This variant is present in population databases (no rsID available, gnomAD 0.003%). This variant has not been reported in the literature in individuals affected with POC5-related conditions. Algorithms developed to predict the effect of missense changes on protein structure and function are either unavailable or do not agree on the potential impact of this missense change (SIFT: "Not Available"; PolyPhen-2: "Possibly Damaging"; Align-GVGD: "Not Available"). Algorithms developed to predict the effect of sequence changes on RNA splicing suggest that this variant may create or strengthen a splice site. In summary, the available evidence is currently insufficient to determine the role of this variant in disease. Therefore, it has been classified as a Variant of Uncertain Significance.

NM_001099271.2(POC5):c.1198C>T (p.His400Tyr)

Gene: POC5 (POC5 centriolar protein; minus strand). Cytogenetic location: 5q13.3.
Variant type: single nucleotide variant.
Coding change: c.1198C>T on transcript NM_001099271.2 (MANE Select); coding-DNA position 1198, C replaced by T.
Protein change: p.His400Tyr; replaces histidine 400 with tyrosine.
Molecular consequence: missense variant.
Genome position (GRCh38, 1-based): chr5:75,685,416, G>A on the plus strand (C>T on the coding strand, the complement: POC5 is on the minus strand). VCF-style: chr5-75685416-G-A. GRCh37 (hg19) VCF-style: chr5-74981241-G-A.
Other names: c.1123C>T, p.His375Tyr (NM_152408.3); short protein forms H375Y, H400Y.
Identifiers: ClinVar variation 2177602 (VCV002177602.4), dbSNP rs917512153, ClinGen allele CA120972650.